The following is an entry in ClinVar:

ClinVar aggregate classification (germline): Uncertain significance. Review status: criteria provided, multiple submitters, no conflicts (2 of 4 stars). 2 submissions from 2 submitters: Uncertain significance (2). Last evaluated 2025-12-16.

Conditions:
Hereditary cancer-predisposing syndrome. Also called: Hereditary neoplastic syndrome; Neoplastic Syndromes, Hereditary; Tumor predisposition; Hereditary Cancer Syndrome. Identifiers: Orphanet 140162, MedGen C0027672, MeSH D009386, MONDO:0015356.
Mitochondrial complex II deficiency, nuclear type 1. Also called: SUCCINATE CoQ REDUCTASE DEFICIENCY. Identifiers: Orphanet 3208, MedGen C5700310, MONDO:0100294, OMIM 252011.
Pheochromocytoma/paraganglioma syndrome 5. Also called: Paragangliomas 5; SDHA-Related Hereditary Paraganglioma-Pheochromocytoma Syndrome. Identifiers: Orphanet 29072, MedGen C3279992, MONDO:0013602, OMIM 614165.

Submissions (2):

Labcorp Genetics (formerly Invitae), Labcorp
Classification: Uncertain significance for Pheochromocytoma/paraganglioma syndrome 5; Mitochondrial complex II deficiency, nuclear type 1. Last evaluated: 2025-12-16. Review status: criteria provided, single submitter. Criteria: Invitae Variant Classification Sherloc (09022015). Collection method: clinical testing. Allele origin: germline.
Comment: This sequence change replaces tyrosine, which is neutral and polar, with cysteine, which is neutral and slightly polar, at codon 365 of the SDHA protein (p.Tyr365Cys). This variant is not present in population databases (gnomAD no frequency). This variant has not been reported in the literature in individuals affected with SDHA-related conditions. ClinVar contains an entry for this variant (Variation ID: 3752758). Invitae Evidence Modeling of protein sequence and biophysical properties (such as structural, functional, and spatial information, amino acid conservation, physicochemical variation, residue mobility, and thermodynamic stability) has been performed for this missense variant. However, the output from this modeling did not meet the statistical confidence thresholds required to predict the impact of this variant on SDHA protein function. In summary, the available evidence is currently insufficient to determine the role of this variant in disease. Therefore, it has been classified as a Variant of Uncertain Significance.

Ambry Genetics
Classification: Uncertain significance for Hereditary cancer-predisposing syndrome. Last evaluated: 2025-12-10. Review status: criteria provided, single submitter. Criteria: Ambry Variant Classification Scheme 2023. Collection method: clinical testing. Allele origin: germline.
Comment: The p.Y365C variant (also known as c.1094A>G), located in coding exon 9 of the SDHA gene, results from an A to G substitution at nucleotide position 1094. The tyrosine at codon 365 is replaced by cysteine, an amino acid with highly dissimilar properties. This amino acid position is conserved. In addition, this alteration is predicted to be deleterious by in silico analysis. Based on the available evidence, the clinical significance of this variant remains unclear.

NM_004168.4(SDHA):c.1094A>G (p.Tyr365Cys)

Gene: SDHA (succinate dehydrogenase complex flavoprotein subunit A; plus strand). Cytogenetic location: 5p15.33.
Variant type: single nucleotide variant.
Coding change: c.1094A>G on transcript NM_004168.4 (MANE Select); coding-DNA position 1094, A replaced by G.
Protein change: p.Tyr365Cys; replaces tyrosine 365 with cysteine.
Molecular consequence: missense variant.
Genome position (GRCh38, 1-based): chr5:235,173, A>G. VCF-style: chr5-235173-A-G. GRCh37 (hg19) VCF-style: chr5-235288-A-G.
Other names: c.950A>G, p.Tyr317Cys (NM_001294332.2); c.1094A>G, p.Tyr365Cys (NM_001330758.2); c.1094A>G (NM_004168.2); short protein forms Y317C, Y365C.
Identifiers: ClinVar variation 3752758 (VCV003752758.3).